The following is an entry in ClinVar:

NM_000823.4(GHRHR):c.975-18G>A

Gene: GHRHR (growth hormone releasing hormone receptor; plus strand). Cytogenetic location: 7p14.3.
Variant type: single nucleotide variant.
Coding change: c.975-18G>A on transcript NM_000823.4 (MANE Select); 18 bases into the intron before coding-DNA position 975, G replaced by A.
Molecular consequence: intron variant.
Genome position (GRCh38, 1-based): chr7:30,976,411, G>A. VCF-style: chr7-30976411-G-A. GRCh37 (hg19) VCF-style: chr7-31016026-G-A.
Identifiers: ClinVar variation 1601351 (VCV001601351.10), dbSNP rs188490880, ClinGen allele CA4208749.
Genomic context (GRCh38, chr7:30,976,411, plus strand): 5'-AGGAAGTGAGAGGAGATGAAGTGCACACGACAGTTTCTAATCCCAGTCTTGGGAGCCTAG[G>A]ATTTGTCTTTCCTGCAGGCGTCTCTCCAAGTCGACACTTTTCCTGATCCCACTCTTTGGA-3'

ClinVar aggregate classification (germline): Benign/Likely benign. Review status: criteria provided, multiple submitters, no conflicts (2 of 4 stars). 3 submissions from 3 submitters: Benign (2); Likely benign (1). Last evaluated 2026-01-09.

Allele frequency attached by ClinVar (database versions not stated): 1000 Genomes Project 30x 0.00047; 1000 Genomes Project 0.00060; ESP Exome Variant Server 0.00123.

Submissions (3):

Labcorp Genetics (formerly Invitae), Labcorp
Classification: Benign. Last evaluated: 2026-01-09. Review status: criteria provided, single submitter. Criteria: Invitae Variant Classification Sherloc (09022015). Collection method: clinical testing. Allele origin: germline.

Blueprint Genetics
Classification: Likely benign. Last evaluated: 2024-11-18. Review status: criteria provided, single submitter. Criteria: ACMG Guidelines, 2015. Collection method: clinical testing. Allele origin: germline.

Women's Health and Genetics/Laboratory Corporation of America, LabCorp
Classification: Benign. Last evaluated: 2023-10-12. Review status: criteria provided, single submitter. Criteria: LabCorp Variant Classification Summary - May 2015. Collection method: clinical testing. Allele origin: germline.
Comment: Variant summary: GHRHR c.975-18G>A alters a nucleotide located at a position not widely known to affect splicing. Consensus agreement among computation tools predict no significant impact on normal splicing. However, these predictions have yet to be confirmed by functional studies. The variant allele was found at a frequency of 0.0015 in 251226 control chromosomes in the gnomAD database, including 1 homozygote. To our knowledge, no occurrence of c.975-18G>A in individuals affected with Isolated growth hormone deficiency, type 4 and no experimental evidence demonstrating its impact on protein function have been reported. One submitter has cited clinical-significance assessments for this variant to ClinVar after 2014 and has classified the variant as benign. Based on the evidence outlined above, the variant was classified as benign.